The following is an entry in ClinVar:

NC_000003.12:g.(?_122254180)_(122285201_?)dup

Gene: CASR (calcium sensing receptor; plus strand). Cytogenetic location: 3q21.1.
Variant type: Duplication.
Identifiers: ClinVar variation 832665 (VCV000832665.1).

ClinVar aggregate classification (germline): Uncertain significance (1 of 4 stars; one submission).

Conditions:
Autosomal dominant hypocalcemia 1 (HYPOC1). Also called: HYPOCALCEMIA, FAMILIAL. Identifiers: MedGen C3715128, MONDO:0011013, OMIM 601198.
Familial hypocalciuric hypercalcemia (FHH). Also called: Familial benign hypercalcemia. Identifiers: Orphanet 405, MedGen C1809471, MONDO:0018458.

Submission:

Labcorp Genetics (formerly Invitae), Labcorp
Classification: Uncertain significance for Familial hypocalciuric hypercalcemia; Hypocalcemia, autosomal dominant 1. Last evaluated: 2019-05-21. Review status: criteria provided, single submitter. Criteria: Invitae Variant Classification Sherloc (09022015). Collection method: clinical testing. Allele origin: germline.
Comment: This variant results in a copy number gain of the genomic region encompassing the full coding sequence of the CASR gene. The boundaries of this event are unknown as they extend beyond the assayed region for this gene and therefore may encompass additional genes. As the precise location of this event is unknown, it may be in tandem or it may be located elsewhere in the genome. This variant has not been reported in the literature in individuals with CASR-related conditions. In summary, the available evidence is currently insufficient to determine the role of this variant in disease. Therefore, it has been classified as a Variant of Uncertain Significance.